The following is an entry in ClinVar:

NM_007254.4(PNKP):c.198+9G>A

Gene: PNKP (polynucleotide kinase 3'-phosphatase; minus strand). Cytogenetic location: 19q13.33.
Variant type: single nucleotide variant.
Coding change: c.198+9G>A on transcript NM_007254.4 (MANE Select); 9 bases into the intron after coding-DNA position 198, G replaced by A.
Molecular consequence: intron variant.
Genome position (GRCh38, 1-based): chr19:49,866,390, C>T on the plus strand (G>A on the coding strand, the complement: PNKP is on the minus strand). VCF-style: chr19-49866390-C-T. GRCh37 (hg19) VCF-style: chr19-50369647-C-T.
Identifiers: ClinVar variation 415710 (VCV000415710.13), dbSNP rs370222304, ClinGen allele CA9587024.

ClinVar aggregate classification (germline): Likely benign. Review status: criteria provided, multiple submitters, no conflicts (2 of 4 stars). 3 submissions from 3 submitters: Likely benign (2). 1 of the submissions does not count toward it. Last evaluated 2026-02-02.

Conditions:
PNKP-related disorder. Also called: PNKP-related disorders; PNKP-related condition.
Developmental and epileptic encephalopathy, 12 (DEE12). Identifiers: MedGen C3150988, MONDO:0013389, OMIM 613722.

Allele frequency attached by ClinVar (database versions not stated): ExAC 0.00005; gnomAD exomes 0.00006; gnomAD 0.00018 and 0.00019; ESP Exome Variant Server 0.00023; TOPMed 0.00025.
gnomAD v4.1: 62 of 1,613,146 alleles (0.0038%); highest among the groups gnomAD compares: African/African-American, 0.068%; 1 homozygote.

Submissions (3):

Labcorp Genetics (formerly Invitae), Labcorp
Classification: Likely benign for Developmental and epileptic encephalopathy, 12. Last evaluated: 2026-02-02. Review status: criteria provided, single submitter. Criteria: Invitae Variant Classification Sherloc (09022015). Collection method: clinical testing. Allele origin: germline.

GeneDx
Classification: Likely benign. Last evaluated: 2018-01-23. Review status: criteria provided, single submitter. Criteria: GeneDx Variant Classification (06012015). Collection method: clinical testing. Allele origin: germline. Affected: yes.
Comment: This variant is considered likely benign or benign based on one or more of the following criteria: it is a conservative change, it occurs at a poorly conserved position in the protein, it is predicted to be benign by multiple in silico algorithms, and/or has population frequency not consistent with disease.

PreventionGenetics, part of Exact Sciences
Classification: Likely benign for PNKP-related condition. Last evaluated: 2019-04-02. Review status: no assertion criteria provided. Collection method: clinical testing. Allele origin: germline. Not counted in ClinVar's aggregate classification.
Comment: This variant is classified as likely benign based on ACMG/AMP sequence variant interpretation guidelines (Richards et al. 2015 PMID: 25741868, with internal and published modifications).